The following is an entry in ClinVar:

NM_015295.3(SMCHD1):c.385A>G (p.Met129Val)

Gene: SMCHD1 (structural maintenance of chromosomes flexible hinge domain containing 1; plus strand). Cytogenetic location: 18p11.32.
Variant type: single nucleotide variant.
Coding change: c.385A>G on transcript NM_015295.3 (MANE Select); coding-DNA position 385, A replaced by G.
Protein change: p.Met129Val; replaces methionine 129 with valine.
Molecular consequence: missense variant.
Genome position (GRCh38, 1-based): chr18:2,666,992, A>G. VCF-style: chr18-2666992-A-G. GRCh37 (hg19) VCF-style: chr18-2666991-A-G.
Other names: c.385A>G (NM_015295.2); short protein forms M129V.
Identifiers: ClinVar variation 3016954 (VCV003016954.4), dbSNP rs369265747, ClinGen allele CA8870536.

ClinVar aggregate classification (germline): Uncertain significance. Review status: criteria provided, multiple submitters, no conflicts (2 of 4 stars). 2 submissions from 2 submitters: Uncertain significance (2). Last evaluated 2025-10-15.

Conditions:
Inborn genetic diseases. Identifiers: MedGen C0950123, MeSH D030342.
Facioscapulohumeral muscular dystrophy 2 (FSHD2). Also called: MUSCULAR DYSTROPHY, FACIOSCAPULOHUMERAL, TYPE 1B; FACIOSCAPULOHUMERAL MUSCULAR DYSTROPHY 2, DIGENIC; FSHD2, DIGENIC. Identifiers: Orphanet 269, MedGen C1834671, MONDO:0008031, OMIM 158901.

Allele frequency attached by ClinVar (database versions not stated): gnomAD exomes 0.00001; TOPMed 0.00001; gnomAD 0.00002; ExAC 0.00003; ESP Exome Variant Server 0.00008.

Submissions (2):

Labcorp Genetics (formerly Invitae), Labcorp
Classification: Uncertain significance for Facioscapulohumeral muscular dystrophy 2. Last evaluated: 2025-10-15. Review status: criteria provided, single submitter. Criteria: Invitae Variant Classification Sherloc (09022015). Collection method: clinical testing. Allele origin: germline.
Comment: This sequence change replaces methionine, which is neutral and non-polar, with valine, which is neutral and non-polar, at codon 129 of the SMCHD1 protein (p.Met129Val). This variant is present in population databases (rs369265747, gnomAD 0.06%). This variant has not been reported in the literature in individuals affected with SMCHD1-related conditions. ClinVar contains an entry for this variant (Variation ID: 3016954). Invitae Evidence Modeling of protein sequence and biophysical properties (such as structural, functional, and spatial information, amino acid conservation, physicochemical variation, residue mobility, and thermodynamic stability) has been performed for this missense variant. However, the output from this modeling did not meet the statistical confidence thresholds required to predict the impact of this variant on SMCHD1 protein function. In summary, the available evidence is currently insufficient to determine the role of this variant in disease. Therefore, it has been classified as a Variant of Uncertain Significance.

Ambry Genetics
Classification: Uncertain significance for Inborn genetic diseases. Last evaluated: 2025-03-17. Review status: criteria provided, single submitter. Criteria: Ambry Variant Classification Scheme 2023. Collection method: clinical testing. Allele origin: germline.